The following is an entry in ClinVar:

ClinVar aggregate classification (germline): Conflicting classifications of pathogenicity. Review status: criteria provided, conflicting classifications (1 of 4 stars). 6 submissions from 6 submitters: Uncertain significance (4); Benign (1). 1 of the submissions does not count toward it. Last evaluated 2025-12-12.

Conditions:
Hereditary cancer-predisposing syndrome. Also called: Tumor predisposition; Neoplastic Syndromes, Hereditary; Hereditary neoplastic syndrome; Hereditary Cancer Syndrome. Identifiers: Orphanet 140162, MedGen C0027672, MeSH D009386, MONDO:0015356.
Multiple endocrine neoplasia, type 1 (MEN1). Also called: MEN I; WERMER SYNDROME; Endocrine adenomatosis multiple; MEN 1; MEA I. Identifiers: Orphanet 652, MedGen C0025267, MeSH D018761, MONDO:0007540, OMIM 131100.

Allele frequency attached by ClinVar (database versions not stated): gnomAD exomes below 0.00001 and 0.00001; TOPMed below 0.00001; ExAC 0.00001; gnomAD 0.00001.
gnomAD v4.1: 11 of 1,597,174 alleles (0.00069%); highest among the groups gnomAD compares: Admixed American, 0.0017%; no homozygotes.

Submissions (6):

Labcorp Genetics (formerly Invitae), Labcorp
Classification: Benign for Multiple endocrine neoplasia, type 1. Last evaluated: 2025-12-12. Review status: criteria provided, single submitter. Criteria: Invitae Variant Classification Sherloc (09022015). Collection method: clinical testing. Allele origin: germline.

Ambry Genetics
Classification: Uncertain significance for Hereditary cancer-predisposing syndrome. Last evaluated: 2025-09-23. Review status: criteria provided, single submitter. Criteria: Ambry Variant Classification Scheme 2023. Collection method: clinical testing. Allele origin: germline.
Comment: The p.R460Q variant (also known as c.1379G>A), located in coding exon 9 of the MEN1 gene, results from a G to A substitution at nucleotide position 1379. The arginine at codon 460 is replaced by glutamine, an amino acid with highly similar properties. This amino acid position is not well conserved in available vertebrate species. In addition, the in silico prediction for this alteration is inconclusive. Based on the available evidence, the clinical significance of this variant remains unclear.

Quest Diagnostics Nichols Institute San Juan Capistrano
Classification: Uncertain significance. Last evaluated: 2025-07-10. Review status: criteria provided, single submitter. Criteria: Quest Diagnostics criteria. Collection method: clinical testing. Allele origin: unknown.

Baylor Genetics
Classification: Uncertain significance for Multiple Endocrine Neoplasia Type 1. Last evaluated: 2024-01-18. Review status: criteria provided, single submitter. Criteria: ACMG Guidelines, 2015. Collection method: clinical testing. Allele origin: unknown.

Clinical Genetics Laboratory, Skane University Hospital Lund
Classification: Uncertain significance. Last evaluated: 2023-11-16. Review status: criteria provided, single submitter. Criteria: ACMG Guidelines, 2015. Collection method: clinical testing. Allele origin: germline. Affected: yes.

Biesecker Lab/Clinical Genomics Section, National Institutes of Health
Classification: Uncertain significance. Last evaluated: 2012-07-13. Review status: no assertion criteria provided. Collection method: research. Allele origin: germline. Affected: no. Observed: 1 variant allele. Study: ClinSeq. Not counted in ClinVar's aggregate classification.
ClinVar note: Converted during submission from variant of unknown significance to Uncertain significance.

NM_001370259.2(MEN1):c.1379G>A (p.Arg460Gln)

Gene: MEN1 (menin 1; minus strand). Cytogenetic location: 11q13.1.
Variant type: single nucleotide variant.
Coding change: c.1379G>A on transcript NM_001370259.2 (MANE Select); coding-DNA position 1379, G replaced by A.
Protein change: p.Arg460Gln; replaces arginine 460 with glutamine.
Molecular consequence: missense variant.
Genome position (GRCh38, 1-based): chr11:64,804,788, C>T on the plus strand (G>A on the coding strand, the complement: MEN1 is on the minus strand). VCF-style: chr11-64804788-C-T. GRCh37 (hg19) VCF-style: chr11-64572260-C-T.
Other names: c.1394G>A, p.Arg465Gln (NM_000244.4, NM_130800.3, NM_130801.3 and 3 more transcripts); c.1505G>A, p.Arg502Gln (NM_001370251.2); c.1379G>A, p.Arg460Gln (NM_001370260.2, NM_001370261.2, NM_130799.3); c.1274G>A, p.Arg425Gln (NM_001370262.2, NM_001370263.2); short protein forms R460Q, R465Q, R425Q, R502Q.
Identifiers: ClinVar variation 41850 (VCV000041850.16), dbSNP rs200035619, ClinGen allele CA009162.
Genomic context (GRCh38, chr11:64,804,788, plus strand): 5'-CGCCGGCCTTCCCGGGCTTCCTCGCCCCACGGCTCCTCGGCCTCGGCCGCCTCGGCCTCT[C>T]GGCTCACTATGCGCACCTTCTGCCGCACCTGGGCCAGTGGGGAGAGCAAGGTGAGAGCAA-3'
Protein context (NP_001357188.2, residues 450-470): QVRQKVRIVS[Arg460Gln]EAEAAEAEEP